The following is an entry in ClinVar:

ClinVar aggregate classification (germline): Uncertain significance. Review status: criteria provided, multiple submitters, no conflicts (2 of 4 stars). 4 submissions from 4 submitters: Uncertain significance (4). Last evaluated 2025-08-22.

Conditions:
Central core myopathy (CMYO1A). Also called: Central core disease; Myopathy, central fibrillar; CONGENITAL MYOPATHY 1A, AUTOSOMAL DOMINANT, WITH SUSCEPTIBILITY TO MALIGNANT HYPERTHERMIA. Identifiers: Orphanet 597, MedGen C5830701, MONDO:0007294, OMIM 117000.
Malignant hyperthermia, susceptibility to, 1 (MHS1). Also called: Anesthesia related hyperthermia; Malignant hyperpyrexia; Fulminating hyperpyrexia; Pharmacogenic myopathy; RYR1-Related Malignant Hyperthermia Susceptibility; Malignant hyperthermia suceptibility 1. Identifiers: Orphanet 423, MedGen C2930980, MONDO:0007783, OMIM 145600.
Congenital multicore myopathy with external ophthalmoplegia (CMYO1B). Also called: MULTICORE MYOPATHY; Minicore myopathy with external ophthalmoplegia; Congenital myopathy 1B, autosomal recessive; Minicore myopathy; MULTIMINICORE DISEASE WITH EXTERNAL OPHTHALMOPLEGIA. Identifiers: Orphanet 598, Orphanet 98905, MedGen C1850674, MONDO:0009712, OMIM 255320, HP:0003789.
Congenital myopathy with fiber type disproportion. Also called: Congenital fiber-type disproportion; Congenital fiber-type disproportion myopathy. Identifiers: Orphanet 2020, MedGen C0546264, MONDO:0009711. Inheritance: all.
King Denborough syndrome (KDS). Identifiers: MedGen C1840365, MONDO:0020485, OMIM 619542.

Allele frequency attached by ClinVar (database versions not stated): gnomAD exomes 0.00001; TOPMed 0.00001; gnomAD 0.00002.
gnomAD v4.1: 19 of 1,613,954 alleles (0.0012%); highest among the groups gnomAD compares: Non-Finnish European, 0.0015%; no homozygotes.

Submissions (4):

Color Diagnostics, LLC DBA Color Health
Classification: Uncertain significance for Malignant hyperthermia, susceptibility to, 1. Last evaluated: 2025-08-22. Review status: criteria provided, single submitter. Criteria: ACMG Guidelines, 2015. Collection method: clinical testing. Allele origin: germline.
Comment: This missense variant replaces lysine with arginine at codon 1546 of the RYR1 protein. Computational prediction suggests that this variant may not impact protein structure and function. To our knowledge, functional studies have not been reported for this variant. This variant has not been reported in individuals affected with RYR1-related disorders in the literature. This variant has not been identified in the general population by the Genome Aggregation Database (gnomAD). The available evidence is insufficient to determine the role of this variant in disease conclusively. Therefore, this variant is classified as a Variant of Uncertain Significance.

GeneDx
Classification: Uncertain significance. Last evaluated: 2025-06-25. Review status: criteria provided, single submitter. Criteria: GeneDx Variant Classification Process June 2021. Collection method: clinical testing. Allele origin: germline. Affected: yes.
Comment: Not observed at significant frequency in large population cohorts (gnomAD); In silico analysis supports that this missense variant has a deleterious effect on protein structure/function; Has not been previously published as pathogenic or benign to our knowledge

All of Us Research Program, National Institutes of Health
Classification: Uncertain significance for Malignant hyperthermia, susceptibility to, 1. Last evaluated: 2023-05-16. Review status: criteria provided, single submitter. Criteria: ACMG Guidelines, 2015. Collection method: clinical testing. Allele origin: germline. Inheritance: Autosomal dominant inheritance. Observed: 1 variant allele, 1 heterozygote.
Comment: This missense variant replaces lysine with arginine at codon 1546 of the RYR1 protein. Computational prediction suggests that this variant may not impact protein structure and function (internally defined REVEL score threshold <= 0.5, PMID: 27666373). To our knowledge, functional studies have not been reported for this variant. This variant has not been reported in individuals affected with RYR1-related disorders in the literature. This variant has not been identified in the general population by the Genome Aggregation Database (gnomAD). The available evidence is insufficient to determine the role of this variant in disease conclusively. Therefore, this variant is classified as a Variant of Uncertain Significance.

This study involves interpretation of variants in research participants for the purpose of population health screening. Participant phenotype was not available at the time of variant classification. Additional details can be found in publication PMID: 35346344, PMCID: PMC8962531

Fulgent Genetics
Classification: Uncertain significance for Central core myopathy; Malignant hyperthermia, susceptibility to, 1; Congenital myopathy 4A, autosomal dominant; Congenital multicore myopathy with external ophthalmoplegia; King Denborough syndrome. Last evaluated: 2021-10-04. Review status: criteria provided, single submitter. Criteria: ACMG Guidelines, 2015. Collection method: clinical testing. Allele origin: unknown.

NM_000540.3(RYR1):c.4637A>G (p.Lys1546Arg)

Gene: RYR1 (ryanodine receptor 1; plus strand). Cytogenetic location: 19q13.2.
Variant type: single nucleotide variant.
Coding change: c.4637A>G on transcript NM_000540.3 (MANE Select); coding-DNA position 4637, A replaced by G.
Protein change: p.Lys1546Arg; replaces lysine 1546 with arginine.
Molecular consequence: missense variant.
Genome position (GRCh38, 1-based): chr19:38,483,043, A>G. VCF-style: chr19-38483043-A-G. GRCh37 (hg19) VCF-style: chr19-38973683-A-G.
Other names: c.4637A>G, p.Lys1546Arg (NM_001042723.2); short protein forms K1546R.
Identifiers: ClinVar variation 329031 (VCV000329031.9), dbSNP rs759947063, ClinGen allele CA10652416.